The following is an entry in ClinVar:

ClinVar aggregate classification (germline): Uncertain significance. Review status: criteria provided, single submitter (1 of 4 stars). 2 submissions from 2 submitters: Uncertain significance (1). 1 of the submissions does not count toward it. Last evaluated 2025-04-28.

Conditions:
Bardet-Biedl syndrome 3 (BBS3). Identifiers: Orphanet 110, MedGen C1859564, MONDO:0010832, OMIM 600151.
Retinitis pigmentosa 55 (RP55). Identifiers: Orphanet 791, MedGen C3150808, MONDO:0013312, OMIM 613575.
ARL6-related disorder. Also called: ARL6-related condition.

Allele frequency attached by ClinVar (database versions not stated): ExAC 0.00002; gnomAD exomes below 0.00001; TOPMed 0.00001; 1000 Genomes Project 30x 0.00031; gnomAD 0.00001; 1000 Genomes Project 0.00020.
gnomAD v4.1: 4 of 1,612,978 alleles (0.00025%); highest among the groups gnomAD compares: Admixed American, 0.0067%; no homozygotes.

Submissions (2):

Labcorp Genetics (formerly Invitae), Labcorp
Classification: Uncertain significance for Retinitis pigmentosa 55; Bardet-Biedl syndrome 3. Last evaluated: 2025-04-28. Review status: criteria provided, single submitter. Criteria: Invitae Variant Classification Sherloc (09022015). Collection method: clinical testing. Allele origin: germline.
Comment: This sequence change replaces alanine, which is neutral and non-polar, with serine, which is neutral and polar, at codon 137 of the ARL6 protein (p.Ala137Ser). This variant is present in population databases (rs201172658, gnomAD 0.01%). This variant has not been reported in the literature in individuals affected with ARL6-related conditions. ClinVar contains an entry for this variant (Variation ID: 2139246). An algorithm developed to predict the effect of missense changes on protein structure and function outputs the following: PolyPhen-2: "Benign". The serine amino acid residue is found in multiple mammalian species, which suggests that this missense change does not adversely affect protein function. In summary, the available evidence is currently insufficient to determine the role of this variant in disease. Therefore, it has been classified as a Variant of Uncertain Significance.

PreventionGenetics, part of Exact Sciences
Classification: Uncertain significance for ARL6-related condition. Last evaluated: 2024-04-11. Review status: no assertion criteria provided. Collection method: clinical testing. Allele origin: germline. Not counted in ClinVar's aggregate classification.
Comment: The ARL6 c.409G>T variant is predicted to result in the amino acid substitution p.Ala137Ser. To our knowledge, this variant has not been reported in the literature. This variant is reported in 0.012% of alleles in individuals of Latino descent in gnomAD. At this time, the clinical significance of this variant is uncertain due to the absence of conclusive functional and genetic evidence.

NM_001278293.3(ARL6):c.409G>T (p.Ala137Ser)

Gene: ARL6 (ARF like GTPase 6; plus strand). Cytogenetic location: 3q11.2.
Variant type: single nucleotide variant.
Coding change: c.409G>T on transcript NM_001278293.3 (MANE Select); coding-DNA position 409, G replaced by T.
Protein change: p.Ala137Ser; replaces alanine 137 with serine.
Molecular consequence: missense variant. On other transcripts: non-coding transcript variant (7).
Genome position (GRCh38, 1-based): chr3:97,788,049, G>T. VCF-style: chr3-97788049-G-T. GRCh37 (hg19) VCF-style: chr3-97506893-G-T.
Other names: c.409G>T, p.Ala137Ser (NM_001323513.2, NM_001323514.2, NM_032146.5 and 1 more transcripts); short protein forms A137S.
Identifiers: ClinVar variation 2139246 (VCV002139246.3), dbSNP rs201172658, ClinGen allele CA2505954.